The following is an entry in ClinVar:

NM_198525.3(KIF7):c.1219G>C (p.Ala407Pro)

Gene: KIF7 (kinesin family member 7; minus strand). Cytogenetic location: 15q26.1.
Variant type: single nucleotide variant.
Coding change: c.1219G>C on transcript NM_198525.3 (MANE Select); coding-DNA position 1219, G replaced by C.
Protein change: p.Ala407Pro; replaces alanine 407 with proline.
Molecular consequence: missense variant.
Genome position (GRCh38, 1-based): chr15:89,648,479, C>G on the plus strand (G>C on the coding strand, the complement: KIF7 is on the minus strand). VCF-style: chr15-89648479-C-G. GRCh37 (hg19) VCF-style: chr15-90191710-C-G.
Other names: short protein forms A407P.
Identifiers: ClinVar variation 2011926 (VCV002011926.4), dbSNP rs1457777027, ClinGen allele CA393771854.

ClinVar aggregate classification (germline): Uncertain significance (1 of 4 stars; one submission).

Conditions:
Acrocallosal syndrome (ACLS). Also called: Schinzel syndrome 1; Absence of corpus callosum with unusual facial appearance, mental deficiency, duplication of the halluces and polydactyly; HALLUX DUPLICATION, POSTAXIAL POLYDACTYLY, AND ABSENCE OF CORPUS CALLOSUM. Identifiers: Orphanet 36, MedGen C0796147, MONDO:0008708, OMIM 200990.

Submission:

Labcorp Genetics (formerly Invitae), Labcorp
Classification: Uncertain significance for Acrocallosal syndrome. Last evaluated: 2022-06-28. Review status: criteria provided, single submitter. Criteria: Invitae Variant Classification Sherloc (09022015). Collection method: clinical testing. Allele origin: germline.
Comment: In summary, the available evidence is currently insufficient to determine the role of this variant in disease. Therefore, it has been classified as a Variant of Uncertain Significance. Algorithms developed to predict the effect of missense changes on protein structure and function are either unavailable or do not agree on the potential impact of this missense change (SIFT: "Deleterious"; PolyPhen-2: "Possibly Damaging"; Align-GVGD: "Class C0"). This variant has not been reported in the literature in individuals affected with KIF7-related conditions. The frequency data for this variant in the population databases is considered unreliable, as metrics indicate insufficient coverage at this position in the gnomAD database. This sequence change replaces alanine, which is neutral and non-polar, with proline, which is neutral and non-polar, at codon 407 of the KIF7 protein (p.Ala407Pro).